The following is an entry in ClinVar:

ClinVar aggregate classification (germline): Uncertain significance (1 of 4 stars; one submission).

Conditions:
Menkes kinky-hair syndrome (MNK). Also called: Copper transport disease; Classic Menkes Disease; Menkes Disease. Identifiers: Orphanet 565, MedGen C0022716, MONDO:0010651, OMIM 309400.
Cutis laxa, X-linked (OHS). Also called: EDS IX; Occipital horn syndrome. Identifiers: Orphanet 198, MedGen C0268353, MONDO:0010572, OMIM 304150.
X-linked distal spinal muscular atrophy type 3. Also called: SPINAL MUSCULAR ATROPHY, DISTAL, X-LINKED RECESSIVE; NEURONOPATHY, DISTAL HEREDITARY MOTOR, X-LINKED; NEUROPATHY, DISTAL HEREDITARY MOTOR, X-LINKED; ATP7A-Related Distal Motor Neuropathy. Identifiers: Orphanet 139557, MedGen C1845359, MONDO:0010338, OMIM 300489.

Submission:

Labcorp Genetics (formerly Invitae), Labcorp
Classification: Uncertain significance for X-linked distal spinal muscular atrophy type 3; Cutis laxa, X-linked; Menkes kinky-hair syndrome. Last evaluated: 2019-12-23. Review status: criteria provided, single submitter. Criteria: Invitae Variant Classification Sherloc (09022015). Collection method: clinical testing. Allele origin: germline.
Comment: In summary, the available evidence is currently insufficient to determine the role of this variant in disease. Therefore, it has been classified as a Variant of Uncertain Significance. Algorithms developed to predict the effect of missense changes on protein structure and function are either unavailable or do not agree on the potential impact of this missense change (SIFT: "Tolerated"; PolyPhen-2: "Possibly Damaging"; Align-GVGD: "Class C0"). This variant has not been reported in the literature in individuals with ATP7A-related conditions. This variant is not present in population databases (ExAC no frequency). This sequence change replaces glutamine with arginine at codon 493 of the ATP7A protein (p.Gln493Arg). The glutamine residue is moderately conserved and there is a small physicochemical difference between glutamine and arginine.

NM_000052.7(ATP7A):c.1478A>G (p.Gln493Arg)

Gene: ATP7A (ATPase copper transporting alpha; plus strand). Cytogenetic location: Xq21.1.
Variant type: single nucleotide variant.
Coding change: c.1478A>G on transcript NM_000052.7 (MANE Select); coding-DNA position 1478, A replaced by G.
Protein change: p.Gln493Arg; replaces glutamine 493 with arginine.
Molecular consequence: missense variant.
Genome position (GRCh38, 1-based): chrX:77,998,619, A>G. VCF-style: chrX-77998619-A-G. GRCh37 (hg19) VCF-style: chrX-77254116-A-G.
Other names: c.1478A>G, p.Gln493Arg (NM_001282224.2); short protein forms Q493R.
Identifiers: ClinVar variation 854389 (VCV000854389.11), dbSNP rs2077719880, ClinGen allele CA413595013.